The following is an entry in ClinVar:

NM_000298.6(PKLR):c.331G>A (p.Gly111Arg)

Gene: PKLR (pyruvate kinase L/R; minus strand). Cytogenetic location: 1q22.
Variant type: single nucleotide variant.
Coding change: c.331G>A on transcript NM_000298.6 (MANE Select); coding-DNA position 331, G replaced by A.
Protein change: p.Gly111Arg; replaces glycine 111 with arginine.
Molecular consequence: missense variant.
Genome position (GRCh38, 1-based): chr1:155,295,709, C>T on the plus strand (G>A on the coding strand, the complement: PKLR is on the minus strand). VCF-style: chr1-155295709-C-T. GRCh37 (hg19) VCF-style: chr1-155265500-C-T.
Other names: c.331G>A, p.Gly111Arg (LRG_1136t1); c.238G>A, p.Gly80Arg (NM_181871.4); short protein forms G111R, G80R.
Identifiers: ClinVar variation 522658 (VCV000522658.11), dbSNP rs918627824, ClinGen allele CA30904892.

ClinVar aggregate classification (germline): Pathogenic/Likely pathogenic. Review status: criteria provided, multiple submitters, no conflicts (2 of 4 stars). 4 submissions from 4 submitters: Pathogenic (3); Likely pathogenic (1). Last evaluated 2026-05-01.

Conditions:
Pyruvate kinase deficiency of red cells (CNSHA2). Also called: Pyruvate kinase deficiency, Amish type; PK DEFICIENCY; PYRUVATE KINASE DEFICIENCY OF ERYTHROCYTE. Identifiers: Orphanet 766, MedGen C0340968, MONDO:0009950, OMIM 266200.

Allele frequency attached by ClinVar (database versions not stated): gnomAD exomes below 0.00001; TOPMed below 0.00001; gnomAD 0.00002.
gnomAD v4.1: 6 of 1,614,046 alleles (0.00037%); highest among the groups gnomAD compares: African/African-American, 0.0027%; no homozygotes.

Submissions (4):

CeGaT Center for Human Genetics Tuebingen
Classification: Pathogenic. Last evaluated: 2026-05-01. Review status: criteria provided, single submitter. Criteria: CeGaT Center For Human Genetics Tuebingen Variant Classification Criteria Version 2. Collection method: clinical testing. Allele origin: germline. Affected: yes. Observed: 1 variant allele.
Comment: PKLR: PM3:Very Strong, PM2, PP3

Labcorp Genetics (formerly Invitae), Labcorp
Classification: Pathogenic. Last evaluated: 2024-10-22. Review status: criteria provided, single submitter. Criteria: Invitae Variant Classification Sherloc (09022015). Collection method: clinical testing. Allele origin: germline.
Comment: This sequence change replaces glycine, which is neutral and non-polar, with arginine, which is basic and polar, at codon 111 of the PKLR protein (p.Gly111Arg). The frequency data for this variant in the population databases is considered unreliable, as metrics indicate poor data quality at this position in the gnomAD database. This missense change has been observed in individual(s) with pyruvate kinase deficiency (PMID: 19085939, 36892591). ClinVar contains an entry for this variant (Variation ID: 522658). Invitae Evidence Modeling of protein sequence and biophysical properties (such as structural, functional, and spatial information, amino acid conservation, physicochemical variation, residue mobility, and thermodynamic stability) indicates that this missense variant is expected to disrupt PKLR protein function with a positive predictive value of 80%. For these reasons, this variant has been classified as Pathogenic.

Revvity Omics, Revvity
Classification: Likely pathogenic. Last evaluated: 2023-03-09. Review status: criteria provided, single submitter. Criteria: ACMG Guidelines, 2015. Collection method: clinical testing. Allele origin: germline.

Genomic Research Center, Shahid Beheshti University of Medical Sciences
Classification: Pathogenic for Pyruvate kinase deficiency of red cells. Last evaluated: 2017-12-03. Review status: criteria provided, single submitter. Criteria: ACMG Guidelines, 2015. Collection method: clinical testing. Allele origin: inherited. Affected: yes.

Literature cited by the submitters: PubMed 19085939 (cited by Labcorp Genetics (formerly Invitae), Labcorp); PubMed 36892591 (cited by Labcorp Genetics (formerly Invitae), Labcorp).